The following is an entry in ClinVar:

NM_053025.4(MYLK):c.4025A>T (p.Asp1342Val)

Gene: MYLK (myosin light chain kinase; minus strand). Cytogenetic location: 3q21.1.
Variant type: single nucleotide variant.
Coding change: c.4025A>T on transcript NM_053025.4 (MANE Select); coding-DNA position 4025, A replaced by T.
Protein change: p.Asp1342Val; replaces aspartic acid 1342 with valine.
Molecular consequence: missense variant.
Genome position (GRCh38, 1-based): chr3:123,657,389, T>A on the plus strand (A>T on the coding strand, the complement: MYLK is on the minus strand). VCF-style: chr3-123657389-T-A. GRCh37 (hg19) VCF-style: chr3-123376236-T-A.
Other names: c.3497A>T, p.Asp1166Val (NM_001321309.2); c.3818A>T, p.Asp1273Val (NM_053026.4, NM_053028.4); c.4025A>T, p.Asp1342Val (NM_053027.4); short protein forms D1166V, D1273V, D1342V.
Identifiers: ClinVar variation 3228916 (VCV003228916.1), dbSNP rs1284963237, ClinGen allele CA354228293.

ClinVar aggregate classification (germline): Uncertain significance (1 of 4 stars; one submission).

Conditions:
Familial thoracic aortic aneurysm and aortic dissection (TAAD). Also called: Thoracic aortic aneurysms and dissections. Identifiers: Orphanet 91387, MedGen C4707243, MONDO:0019625.

Allele frequency attached by ClinVar (database versions not stated): gnomAD exomes below 0.00001; gnomAD 0.00001.
gnomAD v4.1: 2 of 1,613,848 alleles (0.00012%); highest among the groups gnomAD compares: Non-Finnish European, 0.00017%; no homozygotes.

Submission:

Ambry Genetics
Classification: Uncertain significance for Familial thoracic aortic aneurysm and aortic dissection. Last evaluated: 2023-11-17. Review status: criteria provided, single submitter. Criteria: Ambry Variant Classification Scheme 2023. Collection method: clinical testing. Allele origin: germline.
Comment: The p.D1342V variant (also known as c.4025A>T), located in coding exon 21 of the MYLK gene, results from an A to T substitution at nucleotide position 4025. The aspartic acid at codon 1342 is replaced by valine, an amino acid with highly dissimilar properties. This amino acid position is conserved. In addition, the in silico prediction for this alteration is inconclusive. Since supporting evidence is limited at this time, the clinical significance of this alteration remains unclear.